The following is an entry in ClinVar:

NM_012062.5(DNM1L):c.1825C>T (p.Pro609Ser)

Gene: DNM1L (dynamin 1 like; plus strand). Cytogenetic location: 12p11.21.
Variant type: single nucleotide variant.
Coding change: c.1825C>T on transcript NM_012062.5 (MANE Select); coding-DNA position 1825, C replaced by T.
Protein change: p.Pro609Ser; replaces proline 609 with serine.
Molecular consequence: missense variant.
Genome position (GRCh38, 1-based): chr12:32,740,181, C>T. VCF-style: chr12-32740181-C-T. GRCh37 (hg19) VCF-style: chr12-32893115-C-T.
Other names: c.1825C>T (NM_012062.3); c.1792C>T, p.Pro598Ser (NM_001278463.2); c.1864C>T, p.Pro622Ser (NM_001278464.2); c.1831C>T, p.Pro611Ser (NM_001278465.2); c.1216C>T, p.Pro406Ser (NM_001278466.2); c.1753C>T, p.Pro585Ser (NM_001330380.2); c.1714C>T, p.Pro572Ser (NM_005690.5); c.1747C>T, p.Pro583Ser (NM_012063.4); short protein forms P609S, P572S, P406S, P598S, P622S, P583S, P585S, P611S.
Identifiers: ClinVar variation 2784325 (VCV002784325.4), dbSNP rs1719280410, ClinGen allele CA384362967.

ClinVar aggregate classification (germline): Uncertain significance. Review status: criteria provided, multiple submitters, no conflicts (2 of 4 stars). 2 submissions from 2 submitters: Uncertain significance (2). Last evaluated 2023-10-10.

Allele frequency attached by ClinVar (database versions not stated): gnomAD exomes below 0.00001.
gnomAD v4.1: 1 of 1,614,116 alleles (0.000062%); highest among the groups gnomAD compares: South Asian, 0.0011%; no homozygotes.

Submissions (2):

GeneDx
Classification: Uncertain significance. Last evaluated: 2023-10-10. Review status: criteria provided, single submitter. Criteria: GeneDx Variant Classification Process June 2021. Collection method: clinical testing. Allele origin: germline. Affected: yes.
Comment: Has not been previously published as pathogenic or benign to our knowledge; Not observed at significant frequency in large population cohorts (gnomAD); In silico analysis supports that this missense variant does not alter protein structure/function

Labcorp Genetics (formerly Invitae), Labcorp
Classification: Uncertain significance. Last evaluated: 2023-06-05. Review status: criteria provided, single submitter. Criteria: Invitae Variant Classification Sherloc (09022015). Collection method: clinical testing. Allele origin: germline.
Comment: In summary, the available evidence is currently insufficient to determine the role of this variant in disease. Therefore, it has been classified as a Variant of Uncertain Significance. An algorithm developed to predict the effect of missense changes on protein structure and function (PolyPhen-2) suggests that this variant is likely to be tolerated. This variant has not been reported in the literature in individuals affected with DNM1L-related conditions. This variant is not present in population databases (gnomAD no frequency). This sequence change replaces proline, which is neutral and non-polar, with serine, which is neutral and polar, at codon 609 of the DNM1L protein (p.Pro609Ser).